The following is an entry in ClinVar:

ClinVar aggregate classification (germline): Pathogenic. Review status: criteria provided, multiple submitters, no conflicts (2 of 4 stars). 3 submissions from 3 submitters: Pathogenic (3). Last evaluated 2025-01-07.

Conditions:
Becker muscular dystrophy, Cardiomyopathy, Duchenne muscular dystrophy, Dystrophin deficiency.
Duchenne muscular dystrophy (DMD). Also called: MUSCULAR DYSTROPHY, PSEUDOHYPERTROPHIC PROGRESSIVE, DUCHENNE TYPE; Duchenne Muscular Dystrophy (DMD). Identifiers: Orphanet 98896, MedGen C0013264, MONDO:0010679, OMIM 310200.

Submissions (3):

Natera, Inc.
Classification: Pathogenic for Becker muscular dystrophy, Cardiomyopathy, Duchenne muscular dystrophy, Dystrophin deficiency. Last evaluated: 2025-01-07. Review status: criteria provided, single submitter. Criteria: Natera Variant Classification Schema (03/2026). Collection method: clinical testing. Allele origin: germline.
Comment: The c.9001C>T variant in DMD is a nonsense variant predicted to introduce a stop codon at amino acid 3001. This variant is expected to result in nonsense mediated decay, truncation, or a dysfunctional protein product. This variant is rare in the general population with a frequency below the threshold expected for the associated phenotype(s). This variant has been observed in affected individual(s) with monoallelic occurrence (heterozygous/hemizygous) (PMID: 21515508, 15643612). Given the available evidence, this variant is classified as Pathogenic.

3billion
Classification: Pathogenic for Duchenne muscular dystrophy. Last evaluated: 2024-12-26. Review status: criteria provided, single submitter. Criteria: ACMG Guidelines, 2015. Collection method: clinical testing. Allele origin: germline. Affected: yes.
Comment: The variant is not observed in the gnomAD v4.1.0 dataset. Predicted Consequence/Location: Stop-gained (nonsense): predicted to result in a loss or disruption of normal protein function through nonsense-mediated decay (NMD) or protein truncation. Multiple pathogenic variants are reported downstream of the variant. The variant has been reported to be associated with DMD-related disorder (ClinVar ID: VCV003252347 /PMID: 15643612). Therefore, this variant is classified as Pathogenic according to the recommendation of ACMG/AMP guideline.

GeneDx
Classification: Pathogenic. Last evaluated: 2023-12-07. Review status: criteria provided, single submitter. Criteria: GeneDx Variant Classification Process June 2021. Collection method: clinical testing. Allele origin: germline. Affected: yes.
Comment: Nonsense variant predicted to result in protein truncation or nonsense mediated decay in a gene for which loss of function is a known mechanism of disease; Not observed at significant frequency in large population cohorts (gnomAD); This variant is associated with the following publications: (PMID: 25525159, 15643612, 21515508)

Literature cited by the submitters: PubMed 21515508 (cited by Natera, Inc.); PubMed 15643612 (cited by Natera, Inc. and 3billion).

NM_004006.3(DMD):c.9001C>T (p.Gln3001Ter)

Gene: DMD (dystrophin; minus strand). Cytogenetic location: Xp21.2.
Variant type: single nucleotide variant.
Coding change: c.9001C>T on transcript NM_004006.3 (MANE Select); coding-DNA position 9001, C replaced by T.
Protein change: p.Gln3001Ter; replaces glutamine 3001 with a stop codon.
Molecular consequence: nonsense.
Genome position (GRCh38, 1-based): chrX:31,444,564, G>A on the plus strand (C>T on the coding strand, the complement: DMD is on the minus strand). VCF-style: chrX-31444564-G-A. GRCh37 (hg19) VCF-style: chrX-31462681-G-A.
Other names: c.8977C>T, p.Gln2993Ter (NM_000109.4); c.8989C>T, p.Gln2997Ter (NM_004009.3); c.8632C>T, p.Gln2878Ter (NM_004010.3); c.4978C>T, p.Gln1660Ter (NM_004011.4); c.4969C>T, p.Gln1657Ter (NM_004012.4); c.1621C>T, p.Gln541Ter (NM_004013.3, NM_004020.4, NM_004021.3 and 2 more transcripts); c.814C>T, p.Gln272Ter (NM_004014.3); short protein forms Q1657*, Q1660*, Q272*, Q2878*, Q2993*, Q2997*, Q3001*, Q541*.
Identifiers: ClinVar variation 3252347 (VCV003252347.3), dbSNP rs2149075577.